The following is an entry in ClinVar:

ClinVar aggregate classification (germline): Conflicting classifications of pathogenicity. Review status: criteria provided, conflicting classifications (1 of 4 stars). 6 submissions from 5 submitters: Uncertain significance (2); Likely benign (4). Last evaluated 2026-01-27.

Conditions:
Cutis laxa, autosomal dominant 1 (ADCL1). Also called: ELN-Related Cutis Laxa. Identifiers: Orphanet 90348, MedGen C3276539, MONDO:0007411, OMIM 123700. Disease mechanism: Dominant Negative.
Inborn genetic diseases. Identifiers: MedGen C0950123, MeSH D030342.
Supravalvar aortic stenosis (SVAS). Also called: Supravalvar aortic stenosis, Eisenberg type. Identifiers: Orphanet 3193, MedGen C0003499, MONDO:0008504, OMIM 185500, HP:0004381.

Allele frequency attached by ClinVar (database versions not stated): gnomAD 0.00005; TOPMed 0.00005; ESP Exome Variant Server 0.00008; ExAC 0.00009.

Submissions (6):

Labcorp Genetics (formerly Invitae), Labcorp
Classification: Likely benign for Supravalvar aortic stenosis. Last evaluated: 2026-01-27. Review status: criteria provided, single submitter. Criteria: Invitae Variant Classification Sherloc (09022015). Collection method: clinical testing. Allele origin: germline.

CeGaT Center for Human Genetics Tuebingen
Classification: Likely benign. Last evaluated: 2024-07-01. Review status: criteria provided, single submitter. Criteria: CeGaT Center For Human Genetics Tuebingen Variant Classification Criteria Version 2. Collection method: clinical testing. Allele origin: germline. Affected: yes. Observed: 1 variant allele.
Comment: ELN: BP4, BS2

GeneDx
Classification: Uncertain significance. Last evaluated: 2024-01-04. Review status: criteria provided, single submitter. Criteria: GeneDx Variant Classification Process June 2021. Collection method: clinical testing. Allele origin: germline. Affected: yes.
Comment: Has not been previously published as pathogenic or benign to our knowledge; In silico analysis supports that this missense variant has a deleterious effect on protein structure/function

Ambry Genetics
Classification: Uncertain significance for Inborn genetic diseases. Last evaluated: 2022-12-16. Review status: criteria provided, single submitter. Criteria: Ambry Variant Classification Scheme 2023. Collection method: clinical testing. Allele origin: germline.

Illumina Laboratory Services, Illumina
Classification: Likely benign for Supravalvar aortic stenosis. Last evaluated: 2018-01-12. Review status: criteria provided, single submitter. Criteria: ICSL Variant Classification Criteria 13 December 2019. Collection method: clinical testing. Allele origin: germline.
Comment: This variant was observed in the ICSL laboratory as part of a predisposition screen in an ostensibly healthy population. It had not been previously curated by ICSL or reported in the Human Gene Mutation Database (HGMD: prior to June 1st, 2018), and was therefore a candidate for classification through an automated scoring system. Utilizing variant allele frequency, disease prevalence and penetrance estimates, and inheritance mode, an automated score was calculated to assess if this variant is too frequent to cause the disease. Based on the score and internal cut-off values, a variant classified as likely benign is not then subjected to further curation. The score for this variant resulted in a classification of likely benign for this disease.

Illumina Laboratory Services, Illumina
Classification: Likely benign for Cutis laxa, autosomal dominant 1. Last evaluated: 2018-01-12. Review status: criteria provided, single submitter. Criteria: ICSL Variant Classification Criteria 13 December 2019. Collection method: clinical testing. Allele origin: germline.
Comment: the same text as in the submission from Illumina Laboratory Services, Illumina above.

NM_000501.4(ELN):c.473C>T (p.Ala158Val)

Gene: ELN (elastin; plus strand). Cytogenetic location: 7q11.23.
Variant type: single nucleotide variant.
Coding change: c.473C>T on transcript NM_000501.4 (MANE Select); coding-DNA position 473, C replaced by T.
Protein change: p.Ala158Val; replaces alanine 158 with valine.
Molecular consequence: missense variant. On other transcripts: intron variant (1).
Genome position (GRCh38, 1-based): chr7:74,045,225, C>T. VCF-style: chr7-74045225-C-T. GRCh37 (hg19) VCF-style: chr7-73459555-C-T.
Other names: c.443C>T, p.Ala148Val (NM_001081752.3, NM_001278917.2); c.488C>T, p.Ala163Val (NM_001081753.3, NM_001081754.3); c.473C>T, p.Ala158Val (NM_001081755.3, NM_001278912.2, NM_001278915.2 and 2 more transcripts); c.437C>T, p.Ala146Val (NM_001278913.2); c.458C>T, p.Ala153Val (NM_001278914.2); c.439+1305C>T (NM_001278918.2); short protein forms A158V, A163V, A146V, A148V, A153V.
Identifiers: ClinVar variation 450301 (VCV000450301.35), dbSNP rs201137255, ClinGen allele CA4292521.